The following is an entry in ClinVar:

Conditions:
Long QT syndrome 5 (LQT5). Identifiers: Orphanet 101016, Orphanet 768, MedGen C1867904, MONDO:0013372, OMIM 613695.

Submission:

Roden Lab, Vanderbilt University Medical Center
No classification provided (evidence only). Condition: Long QT syndrome 5. Review status: no classification provided. Collection method: in vitro. Allele origin: not applicable. Functional consequence: Effect on ion channel function.
ClinVar note: "not provided" was previously submitted as the classification for the variant. However, the classification appeared to be based only on an observation of functional data so it was converted to no classification on 2025-07-30.

NM_000219.6(KCNE1):c.293G>T (p.Arg98Leu)

Gene: KCNE1 (potassium voltage-gated channel subfamily E regulatory subunit 1; minus strand). Cytogenetic location: 21q22.12.
Variant type: single nucleotide variant.
Coding change: c.293G>T on transcript NM_000219.6 (MANE Select); coding-DNA position 293, G replaced by T.
Protein change: p.Arg98Leu; replaces arginine 98 with leucine.
Molecular consequence: missense variant.
Genome position (GRCh38, 1-based): chr21:34,449,342, C>A on the plus strand (G>T on the coding strand, the complement: KCNE1 is on the minus strand). VCF-style: chr21-34449342-C-A. GRCh37 (hg19) VCF-style: chr21-35821640-C-A.
Other names: c.293G>T, p.Arg98Leu (NM_001127668.4, NM_001127669.4, NM_001127670.4 and 4 more transcripts); short protein forms R98L.
Identifiers: ClinVar variation 3374554 (VCV003374554.2).